The following is an entry in ClinVar:

NM_021999.5(ITM2B):c.485A>T (p.Asp162Val)

Gene: ITM2B (integral membrane protein 2B; plus strand). Cytogenetic location: 13q14.2.
Variant type: single nucleotide variant.
Coding change: c.485A>T on transcript NM_021999.5 (MANE Select); coding-DNA position 485, A replaced by T.
Protein change: p.Asp162Val; replaces aspartic acid 162 with valine.
Molecular consequence: missense variant.
Genome position (GRCh38, 1-based): chr13:48,258,157, A>T. VCF-style: chr13-48258157-A-T. GRCh37 (hg19) VCF-style: chr13-48832293-A-T.
Other names: c.485A>T (NM_021999.4); short protein forms D162V.
Identifiers: ClinVar variation 2099426 (VCV002099426.5), dbSNP rs1430302056, ClinGen allele CA388251572.
Genomic context (GRCh38, chr13:48,258,157, plus strand): 5'-GTAACTACACTGTATCTTTTTCTTCCCAGAAACTTACAGCCTATTTAGATCTTAACCTGG[A>T]TAAGTGCTATGTGATCCCTCTGAACACTTCCATTGTTATGCCACCCAGAAACCTACTGGA-3'
Protein context (NP_068839.1, residues 152-172): KLTAYLDLNL[Asp162Val]KCYVIPLNTS

ClinVar aggregate classification (germline): Uncertain significance. Review status: criteria provided, multiple submitters, no conflicts (2 of 4 stars). 2 submissions from 2 submitters: Uncertain significance (2). Last evaluated 2026-07-16.

Conditions:
ITM2B-related disorder. Also called: ITM2B-related condition.

Allele frequency attached by ClinVar (database versions not stated): gnomAD exomes below 0.00001.
gnomAD v4.1: 3 of 1,602,384 alleles (0.00019%); highest among the groups gnomAD compares: Non-Finnish European, 0.00026%; no homozygotes.

Submissions (2):

PreventionGenetics, part of Exact Sciences
Classification: Uncertain significance for ITM2B-related condition. Last evaluated: 2026-07-16. Review status: criteria provided, single submitter. Criteria: ACMG Guidelines, 2015. Collection method: clinical testing. Allele origin: germline.
Comment: The ITM2B c.485A>T variant is predicted to result in the amino acid substitution p.Asp162Val. To our knowledge, this variant has not been reported in the literature or in a large population database (gnomAD), indicating this variant is rare. At this time, the clinical significance of this variant is uncertain due to the absence of conclusive functional and genetic evidence.

Labcorp Genetics (formerly Invitae), Labcorp
Classification: Uncertain significance. Last evaluated: 2024-02-19. Review status: criteria provided, single submitter. Criteria: Invitae Variant Classification Sherloc (09022015). Collection method: clinical testing. Allele origin: germline.
Comment: This sequence change replaces aspartic acid, which is acidic and polar, with valine, which is neutral and non-polar, at codon 162 of the ITM2B protein (p.Asp162Val). This variant is not present in population databases (gnomAD no frequency). This variant has not been reported in the literature in individuals affected with ITM2B-related conditions. ClinVar contains an entry for this variant (Variation ID: 2099426). Advanced modeling of protein sequence and biophysical properties (such as structural, functional, and spatial information, amino acid conservation, physicochemical variation, residue mobility, and thermodynamic stability) has been performed at Invitae for this missense variant, however the output from this modeling did not meet the statistical confidence thresholds required to predict the impact of this variant on ITM2B protein function. In summary, the available evidence is currently insufficient to determine the role of this variant in disease. Therefore, it has been classified as a Variant of Uncertain Significance.